The following is an entry in ClinVar:

NM_017534.6(MYH2):c.2785A>T (p.Thr929Ser)

Genes: MYHAS (myosin heavy chain gene cluster antisense RNA; plus strand), MYH2 (myosin heavy chain 2; minus strand). Cytogenetic location: 17p13.1.
Variant type: single nucleotide variant.
Coding change: c.2785A>T on transcript NM_017534.6 (MANE Select); coding-DNA position 2785, A replaced by T.
Protein change: p.Thr929Ser; replaces threonine 929 with serine.
Molecular consequence: missense variant.
Genome position (GRCh38, 1-based): chr17:10,529,987, T>A on the plus strand (A>T on the coding strand, the complement: MYH2 is on the minus strand). VCF-style: chr17-10529987-T-A. GRCh37 (hg19) VCF-style: chr17-10433304-T-A.
Other names: c.2785A>T, p.Thr929Ser (NM_001100112.2); short protein forms T929S.
Identifiers: ClinVar variation 465930 (VCV000465930.9), dbSNP rs1555570593, ClinGen allele CA398142732.

ClinVar aggregate classification (germline): Uncertain significance (1 of 4 stars; one submission).

Conditions:
Myopathy, proximal, and ophthalmoplegia (CMYO6). Also called: INCLUSION BODY MYOPATHY 3, AUTOSOMAL DOMINANT; CONGENITAL MYOPATHY 6 WITH OPHTHALMOPLEGIA; MYOPATHY WITH CONGENITAL JOINT CONTRACTURES, OPHTHALMOPLEGIA, AND RIMMED VACUOLES. Identifiers: Orphanet 363677, Orphanet 79091, MedGen C1854106, MONDO:0011577, OMIM 605637.

Submission:

Labcorp Genetics (formerly Invitae), Labcorp
Classification: Uncertain significance for Myopathy, proximal, and ophthalmoplegia. Last evaluated: 2022-07-11. Review status: criteria provided, single submitter. Criteria: Invitae Variant Classification Sherloc (09022015). Collection method: clinical testing. Allele origin: germline.
Comment: In summary, the available evidence is currently insufficient to determine the role of this variant in disease. Therefore, it has been classified as a Variant of Uncertain Significance. Algorithms developed to predict the effect of missense changes on protein structure and function (SIFT, PolyPhen-2, Align-GVGD) all suggest that this variant is likely to be tolerated. ClinVar contains an entry for this variant (Variation ID: 465930). This variant has not been reported in the literature in individuals affected with MYH2-related conditions. This variant is not present in population databases (gnomAD no frequency). This sequence change replaces threonine, which is neutral and polar, with serine, which is neutral and polar, at codon 929 of the MYH2 protein (p.Thr929Ser).